The following is an entry in ClinVar:

NM_005560.6(LAMA5):c.8658+8C>T

Gene: LAMA5 (laminin subunit alpha 5; minus strand). Cytogenetic location: 20q13.33.
Variant type: single nucleotide variant.
Coding change: c.8658+8C>T on transcript NM_005560.6 (MANE Select); 8 bases into the intron after coding-DNA position 8658, C replaced by T.
Molecular consequence: intron variant.
Genome position (GRCh38, 1-based): chr20:62,313,641, G>A on the plus strand (C>T on the coding strand, the complement: LAMA5 is on the minus strand). VCF-style: chr20-62313641-G-A. GRCh37 (hg19) VCF-style: chr20-60888697-G-A.
Other names: p.?.
Identifiers: ClinVar variation 2964702 (VCV002964702.4), dbSNP rs367607642, ClinGen allele CA9940617.

ClinVar aggregate classification (germline): Likely benign. Review status: criteria provided, multiple submitters, no conflicts (2 of 4 stars). 2 submissions from 2 submitters: Likely benign (2). Last evaluated 2025-10-01.

Allele frequency attached by ClinVar (database versions not stated): ExAC 0.00001; gnomAD 0.00001; TOPMed 0.00001; gnomAD exomes 0.00002; ESP Exome Variant Server 0.00008.
gnomAD v4.1: 26 of 1,612,150 alleles (0.0016%); highest among the groups gnomAD compares: African/African-American, 0.004%; no homozygotes.

Submissions (2):

Mayo Clinic Laboratories, Mayo Clinic
Classification: Likely benign. Last evaluated: 2025-10-01. Review status: criteria provided, single submitter. Criteria: ACMG Guidelines, 2015. Collection method: clinical testing. Allele origin: germline. Observed: 1 variant allele.
Comment: BP7

Labcorp Genetics (formerly Invitae), Labcorp
Classification: Likely benign. Last evaluated: 2024-01-06. Review status: criteria provided, single submitter. Criteria: Invitae Variant Classification Sherloc (09022015). Collection method: clinical testing. Allele origin: germline.